The following is an entry in ClinVar:

NM_001375405.1(CEP120):c.160A>G (p.Thr54Ala)

Gene: CEP120 (centrosomal protein 120; minus strand). Cytogenetic location: 5q23.2.
Variant type: single nucleotide variant.
Coding change: c.160A>G on transcript NM_001375405.1 (MANE Select); coding-DNA position 160, A replaced by G.
Protein change: p.Thr54Ala; replaces threonine 54 with alanine.
Molecular consequence: missense variant. On other transcripts: 5 prime UTR variant (2), non-coding transcript variant (1).
Genome position (GRCh38, 1-based): chr5:123,418,405, T>C on the plus strand (A>G on the coding strand, the complement: CEP120 is on the minus strand). VCF-style: chr5-123418405-T-C. GRCh37 (hg19) VCF-style: chr5-122754099-T-C.
Other names: c.82A>G, p.Thr28Ala (NM_001166226.2); c.160A>G, p.Thr54Ala (NM_001375406.1, NM_001375407.1, NM_153223.4); c.-589A>G (NM_001375408.1); c.-531A>G (NM_001375409.1); c.160A>G (NM_153223.3); short protein forms T28A, T54A.
Identifiers: ClinVar variation 1372171 (VCV001372171.5), dbSNP rs1452117593, ClinGen allele CA360897144.

ClinVar aggregate classification (germline): Uncertain significance. Review status: criteria provided, multiple submitters, no conflicts (2 of 4 stars). 2 submissions from 2 submitters: Uncertain significance (2). Last evaluated 2024-06-25.

Conditions:
Inborn genetic diseases. Identifiers: MedGen C0950123, MeSH D030342.
Short-rib thoracic dysplasia 13 with or without polydactyly (SRTD13). Identifiers: Orphanet 474, MedGen C4225378, MONDO:0014577, OMIM 616300.

Allele frequency attached by ClinVar (database versions not stated): gnomAD exomes below 0.00001 and 0.00002; TOPMed below 0.00001; gnomAD 0.00001.

Submissions (2):

Ambry Genetics
Classification: Uncertain significance for Inborn genetic diseases. Last evaluated: 2024-06-25. Review status: criteria provided, single submitter. Criteria: Ambry Variant Classification Scheme 2023. Collection method: clinical testing. Allele origin: germline.

Labcorp Genetics (formerly Invitae), Labcorp
Classification: Uncertain significance for Short-rib thoracic dysplasia 13 with or without polydactyly. Last evaluated: 2021-09-15. Review status: criteria provided, single submitter. Criteria: Invitae Variant Classification Sherloc (09022015). Collection method: clinical testing. Allele origin: germline.
Comment: In summary, the available evidence is currently insufficient to determine the role of this variant in disease. Therefore, it has been classified as a Variant of Uncertain Significance. Algorithms developed to predict the effect of missense changes on protein structure and function are either unavailable or do not agree on the potential impact of this missense change (SIFT: "Deleterious"; PolyPhen-2: "Probably Damaging"; Align-GVGD: "Class C0"). This variant has not been reported in the literature in individuals affected with CEP120-related conditions. This variant is not present in population databases (ExAC no frequency). This sequence change replaces threonine with alanine at codon 54 of the CEP120 protein (p.Thr54Ala). The threonine residue is highly conserved and there is a small physicochemical difference between threonine and alanine.